The following is an entry in ClinVar:

ClinVar aggregate classification (germline): Uncertain significance. Review status: criteria provided, multiple submitters, no conflicts (2 of 4 stars). 3 submissions from 3 submitters: Uncertain significance (2). 1 of the submissions does not count toward it. Last evaluated 2024-11-17.

Conditions:
NLRP12-related disorder. Also called: NLRP12-related condition; NLRP12-related conditions.
Familial cold autoinflammatory syndrome 2 (FCAS2). Identifiers: Orphanet 247868, MedGen C2673198, MONDO:0012724, OMIM 611762.

Allele frequency attached by ClinVar (database versions not stated): ExAC 0.00002; gnomAD 0.00002 and 0.00003; gnomAD exomes 0.00002; TOPMed 0.00002.

Submissions (3):

Blueprint Genetics
Classification: Uncertain significance. Last evaluated: 2024-11-17. Review status: criteria provided, single submitter. Criteria: ACMG Guidelines, 2015. Collection method: clinical testing. Allele origin: germline.

Labcorp Genetics (formerly Invitae), Labcorp
Classification: Uncertain significance for Familial cold autoinflammatory syndrome 2. Last evaluated: 2024-05-26. Review status: criteria provided, single submitter. Criteria: Invitae Variant Classification Sherloc (09022015). Collection method: clinical testing. Allele origin: germline.
Comment: This sequence change creates a premature translational stop signal (p.Gly295Leufs*3) in the NLRP12 gene. It is expected to result in an absent or disrupted protein product. However, the current clinical and genetic evidence is not sufficient to establish whether loss-of-function variants in NLRP12 cause disease. This variant is present in population databases (rs774533869, gnomAD 0.005%). This variant has not been reported in the literature in individuals affected with NLRP12-related conditions. ClinVar contains an entry for this variant (Variation ID: 940602). In summary, the available evidence is currently insufficient to determine the role of this variant in disease. Therefore, it has been classified as a Variant of Uncertain Significance.

PreventionGenetics, part of Exact Sciences
Classification: Uncertain significance for NLRP12-related condition. Last evaluated: 2024-03-08. Review status: no assertion criteria provided. Collection method: clinical testing. Allele origin: germline. Not counted in ClinVar's aggregate classification.
Comment: The NLRP12 c.883_884delGG variant is predicted to result in a frameshift and premature protein termination (p.Gly295Leufs*3). To our knowledge, this variant has not been reported in the literature. This variant is reported in 0.0053% of alleles in individuals of European (Non-Finnish) descent in gnomAD, which may be too common to be causative of disease. At this time, the clinical significance of this variant is uncertain due to the absence of conclusive functional and genetic evidence.

NM_144687.4(NLRP12):c.883_884del (p.Gly295fs)

Gene: NLRP12 (NLR family pyrin domain containing 12; minus strand). Cytogenetic location: 19q13.42.
Variant type: Deletion.
Coding change: c.883_884del on transcript NM_144687.4 (MANE Select); coding-DNA positions 883 to 884, 2 bases deleted (GG; older notation c.883_884delGG).
Protein change: p.Gly295fs; shifts the reading frame from glycine 295.
Molecular consequence: frameshift variant.
Genome position (GRCh38, 1-based): chr19:53,810,775-53,810,776, CC deleted on the plus strand (GG on the coding strand, the reverse complement: NLRP12 is on the minus strand). VCF-style (leftmost placement, unchanged base first): chr19-53810774-GCC-G. GRCh37 (hg19) VCF-style: chr19-54314028-GCC-G.
Other names: c.883_884delGG (NM_144687.3); c.883_884del, p.Gly295fs (NM_001277126.2, NM_001277129.1); short protein forms G295fs.
Identifiers: ClinVar variation 940602 (VCV000940602.6), dbSNP rs774533869, ClinGen allele CA9639580.